The following is an entry in ClinVar:

NM_003054.6(SLC18A2):c.597C>T (p.Ser199=)

Gene: SLC18A2 (solute carrier family 18 member A2; plus strand). Cytogenetic location: 10q25.3.
Variant type: single nucleotide variant.
Coding change: c.597C>T on transcript NM_003054.6 (MANE Select); coding-DNA position 597, C replaced by T.
Protein change: p.Ser199=; no amino-acid change (serine 199 retained).
Molecular consequence: synonymous variant.
Genome position (GRCh38, 1-based): chr10:117,254,121, C>T. VCF-style: chr10-117254121-C-T. GRCh37 (hg19) VCF-style: chr10-119013632-C-T.
Other names: p.Ser199=.
Identifiers: ClinVar variation 1168452 (VCV001168452.15), dbSNP rs363411, ClinGen allele CA5710334.

ClinVar aggregate classification (germline): Benign. Review status: criteria provided, multiple submitters, no conflicts (2 of 4 stars). 5 submissions from 5 submitters: Benign (4). 1 of the submissions does not count toward it. Last evaluated 2026-01-23.

Conditions:
SLC18A2-related disorder. Also called: SLC18A2-related condition.

Allele frequency attached by ClinVar (database versions not stated): ExAC 0.02876; 1000 Genomes Project 30x 0.04419; gnomAD exomes 0.01992 and 0.02899; gnomAD 0.02070 and 0.02234; TOPMed 0.02484; ESP Exome Variant Server 0.01768; 1000 Genomes Project 0.04593.

Submissions (5):

Labcorp Genetics (formerly Invitae), Labcorp
Classification: Benign. Last evaluated: 2026-01-23. Review status: criteria provided, single submitter. Criteria: Invitae Variant Classification Sherloc (09022015). Collection method: clinical testing. Allele origin: germline.

Mayo Clinic Laboratories, Mayo Clinic
Classification: Benign. Last evaluated: 2022-07-16. Review status: criteria provided, single submitter. Criteria: ACMG Guidelines, 2015. Collection method: clinical testing. Allele origin: germline. Observed: 25 variant alleles.

GeneDx
Classification: Benign. Last evaluated: 2021-05-05. Review status: criteria provided, single submitter. Criteria: GeneDx Variant Classification Process June 2021. Collection method: clinical testing. Allele origin: germline. Affected: yes.

Breakthrough Genomics
Classification: Benign. Review status: criteria provided, single submitter. Criteria: ACMG Guidelines, 2015. Collection method: not provided. Allele origin: germline. Inheritance: Autosomal recessive inheritance. Affected: yes.

PreventionGenetics, part of Exact Sciences
Classification: Benign for SLC18A2-related condition. Last evaluated: 2019-04-16. Review status: no assertion criteria provided. Collection method: clinical testing. Allele origin: germline. Not counted in ClinVar's aggregate classification.
Comment: This variant is classified as benign based on ACMG/AMP sequence variant interpretation guidelines (Richards et al. 2015 PMID: 25741868, with internal and published modifications).